The following is an entry in ClinVar:

ClinVar aggregate classification (germline): Uncertain significance (1 of 4 stars; one submission).

gnomAD v4.1: 6 of 1,580,770 alleles (0.00038%); highest among the groups gnomAD compares: Non-Finnish European, 0.00052%; no homozygotes.

Submission:

CeGaT Center for Human Genetics Tuebingen
Classification: Uncertain significance. Last evaluated: 2024-07-01. Review status: criteria provided, single submitter. Criteria: CeGaT Center For Human Genetics Tuebingen Variant Classification Criteria Version 2. Collection method: clinical testing. Allele origin: germline. Affected: yes. Observed: 1 variant allele.
Comment: ANO10: PM2, PM3, PP3

NM_018075.5(ANO10):c.1262T>C (p.Phe421Ser)

Gene: ANO10 (anoctamin 10; minus strand). Cytogenetic location: 3p22.1.
Variant type: single nucleotide variant.
Coding change: c.1262T>C on transcript NM_018075.5 (MANE Select); coding-DNA position 1262, T replaced by C.
Protein change: p.Phe421Ser; replaces phenylalanine 421 with serine.
Molecular consequence: missense variant.
Genome position (GRCh38, 1-based): chr3:43,565,684, A>G on the plus strand (T>C on the coding strand, the complement: ANO10 is on the minus strand). VCF-style: chr3-43565684-A-G. GRCh37 (hg19) VCF-style: chr3-43607176-A-G.
Other names: c.1262T>C, p.Phe421Ser (NM_001204831.3, NM_001346463.2, NM_001346464.2 and 3 more transcripts); c.1064T>C, p.Phe355Ser (NM_001204832.3, NM_001346466.2, NM_001346469.2); c.929T>C, p.Phe310Ser (NM_001204833.3); c.692T>C, p.Phe231Ser (NM_001204834.3); short protein forms F231S, F310S, F355S, F421S.
Identifiers: ClinVar variation 3257290 (VCV003257290.17).